The following is an entry in ClinVar:

ClinVar aggregate classification (germline): Uncertain significance (1 of 4 stars; one submission).

Conditions:
Duchenne muscular dystrophy (DMD). Also called: MUSCULAR DYSTROPHY, PSEUDOHYPERTROPHIC PROGRESSIVE, DUCHENNE TYPE; Duchenne Muscular Dystrophy (DMD). Identifiers: Orphanet 98896, MedGen C0013264, MONDO:0010679, OMIM 310200.

Allele frequency attached by ClinVar (database versions not stated): gnomAD exomes below 0.00001.
gnomAD v4.1: 1 of 1,208,184 alleles (0.000083%); highest among the groups gnomAD compares: Non-Finnish European, 0.00011%; no homozygotes.

Submission:

Labcorp Genetics (formerly Invitae), Labcorp
Classification: Uncertain significance for Duchenne muscular dystrophy. Last evaluated: 2025-09-14. Review status: criteria provided, single submitter. Criteria: Invitae Variant Classification Sherloc (09022015). Collection method: clinical testing. Allele origin: germline.
Comment: This sequence change replaces proline, which is neutral and non-polar, with leucine, which is neutral and non-polar, at codon 481 of the DMD protein (p.Pro481Leu). This variant is present in population databases (no rsID available, gnomAD 0.001%). This variant has not been reported in the literature in individuals affected with DMD-related conditions. ClinVar contains an entry for this variant (Variation ID: 2742273). Invitae Evidence Modeling of protein sequence and biophysical properties (such as structural, functional, and spatial information, amino acid conservation, physicochemical variation, residue mobility, and thermodynamic stability) indicates that this missense variant is not expected to disrupt DMD protein function with a negative predictive value of 95%. In summary, the available evidence is currently insufficient to determine the role of this variant in disease. Therefore, it has been classified as a Variant of Uncertain Significance.

NM_004006.3(DMD):c.1442C>T (p.Pro481Leu)

Gene: DMD (dystrophin; minus strand). Cytogenetic location: Xp21.1.
Variant type: single nucleotide variant.
Coding change: c.1442C>T on transcript NM_004006.3 (MANE Select); coding-DNA position 1442, C replaced by T.
Protein change: p.Pro481Leu; replaces proline 481 with leucine.
Molecular consequence: missense variant.
Genome position (GRCh38, 1-based): chrX:32,614,343, G>A on the plus strand (C>T on the coding strand, the complement: DMD is on the minus strand). VCF-style: chrX-32614343-G-A. GRCh37 (hg19) VCF-style: chrX-32632460-G-A.
Other names: c.1418C>T, p.Pro473Leu (NM_000109.4); c.1430C>T, p.Pro477Leu (NM_004009.3); c.1073C>T, p.Pro358Leu (NM_004010.3); short protein forms P473L, P481L, P358L, P477L.
Identifiers: ClinVar variation 2742273 (VCV002742273.3), dbSNP rs1203696293, ClinGen allele CA412669869.